The following is an entry in ClinVar:

ClinVar aggregate classification (germline): Uncertain significance (1 of 4 stars; one submission).

gnomAD v4.1: 4 of 1,614,056 alleles (0.00025%); highest among the groups gnomAD compares: Admixed American, 0.0067%; no homozygotes.

Submission:

Labcorp Genetics (formerly Invitae), Labcorp
Classification: Uncertain significance. Last evaluated: 2025-01-20. Review status: criteria provided, single submitter. Criteria: Invitae Variant Classification Sherloc (09022015). Collection method: clinical testing. Allele origin: germline.
Comment: This sequence change replaces alanine, which is neutral and non-polar, with valine, which is neutral and non-polar, at codon 2760 of the DNAH9 protein (p.Ala2760Val). This variant is not present in population databases (gnomAD no frequency). This variant has not been reported in the literature in individuals affected with DNAH9-related conditions. Invitae Evidence Modeling of protein sequence and biophysical properties (such as structural, functional, and spatial information, amino acid conservation, physicochemical variation, residue mobility, and thermodynamic stability) has been performed for this missense variant. However, the output from this modeling did not meet the statistical confidence thresholds required to predict the impact of this variant on DNAH9 protein function. In summary, the available evidence is currently insufficient to determine the role of this variant in disease. Therefore, it has been classified as a Variant of Uncertain Significance.

NM_001372.4(DNAH9):c.8279C>T (p.Ala2760Val)

Gene: DNAH9 (dynein axonemal heavy chain 9; plus strand). Cytogenetic location: 17p12.
Variant type: single nucleotide variant.
Coding change: c.8279C>T on transcript NM_001372.4 (MANE Select); coding-DNA position 8279, C replaced by T.
Protein change: p.Ala2760Val; replaces alanine 2760 with valine.
Molecular consequence: missense variant.
Genome position (GRCh38, 1-based): chr17:11,797,652, C>T. VCF-style: chr17-11797652-C-T. GRCh37 (hg19) VCF-style: chr17-11700969-C-T.
Other names: short protein forms A2760V.
Identifiers: ClinVar variation 3705992 (VCV003705992.2).
Genomic context (GRCh38, chr17:11,797,652, plus strand): 5'-ACCAGGATATTGAAGACCCTGTGGAGCAGACCCAAAGCCCGAACCTGTATTGTCACTTTG[C>T]AAATGGTATTGGGGAGCCCAAATACATGCCTGTACAGTCTTGGGAACTTTTGACCCAGAC-3'
Protein context (NP_001363.2, residues 2750-2770): TQSPNLYCHF[Ala2760Val]NGIGEPKYMP